The following is an entry in ClinVar:

ClinVar aggregate classification (germline): Benign. Review status: criteria provided, multiple submitters, no conflicts (2 of 4 stars). 16 submissions from 16 submitters: Benign (13). 3 of the submissions do not count toward it. Last evaluated 2026-02-04.

Conditions:
Cardiovascular phenotype. Identifiers: MedGen CN230736.
Cardiomyopathy (CMYO). Also called: Cardiomyopathies. Identifiers: Orphanet 167848, MedGen C0878544, MONDO:0004994, HP:0001638. Inheritance: Various modes of inheritance.
Hypertrophic cardiomyopathy 8. Also called: CARDIOMYOPATHY, HYPERTROPHIC, MID-LEFT VENTRICULAR CHAMBER TYPE, 1; MYL3-Related Familial Hypertrophic Cardiomyopathy. Identifiers: MedGen C1837471, MONDO:0012111, OMIM 608751.
Hypertrophic cardiomyopathy. Also called: HYPERTROPHIC MYOCARDIOPATHY. Identifiers: Orphanet 217569, MedGen C0007194, MeSH D002312, MONDO:0005045, HP:0001639.

Allele frequency attached by ClinVar (database versions not stated): gnomAD exomes 0.01031 and 0.02032; ESP Exome Variant Server 0.01668; ExAC 0.01835; TOPMed 0.02013; gnomAD 0.02058 and 0.02087; 1000 Genomes Project 30x 0.03607; 1000 Genomes Project 0.03714.
gnomAD v4.1: 18,574 of 1,613,958 alleles (1.2%); highest among the groups gnomAD compares: East Asian, 8.4%; 387 homozygotes.

Submissions (16):

Labcorp Genetics (formerly Invitae), Labcorp
Classification: Benign for Hypertrophic cardiomyopathy. Last evaluated: 2026-02-04. Review status: criteria provided, single submitter. Criteria: Invitae Variant Classification Sherloc (09022015). Collection method: clinical testing. Allele origin: germline.

Molecular Diagnostic Laboratory for Inherited Cardiovascular Disease, Montreal Heart Institute
Classification: Benign. Last evaluated: 2025-04-09. Review status: criteria provided, single submitter. Criteria: ACMG Guidelines, 2015. Collection method: clinical testing. Allele origin: germline. Affected: no.

Blueprint Genetics
Classification: Benign. Last evaluated: 2024-11-26. Review status: criteria provided, single submitter. Criteria: ACMG Guidelines, 2015. Collection method: clinical testing. Allele origin: germline.

All of Us Research Program, National Institutes of Health
Classification: Benign for Hypertrophic cardiomyopathy. Last evaluated: 2024-02-05. Review status: criteria provided, single submitter. Criteria: ACMG Guidelines, 2015. Collection method: clinical testing. Allele origin: germline. Inheritance: Autosomal dominant inheritance. Observed: 2,602 variant alleles, 2,551 heterozygotes, 51 homozygotes.
Comment: This study involves interpretation of variants in research participants for the purpose of population health screening. Participant phenotype was not available at the time of variant classification. Additional details can be found in publication PMID: 35346344, PMCID: PMC8962531

Color Diagnostics, LLC DBA Color Health
Classification: Benign for Cardiomyopathy. Last evaluated: 2018-03-15. Review status: criteria provided, single submitter. Criteria: ACMG Guidelines, 2015. Collection method: clinical testing. Allele origin: germline.

Illumina Laboratory Services, Illumina
Classification: Benign for Hypertrophic cardiomyopathy 8. Last evaluated: 2018-01-13. Review status: criteria provided, single submitter. Criteria: ICSL Variant Classification Criteria 13 December 2019. Collection method: clinical testing. Allele origin: germline.
Comment: This variant was observed in the ICSL laboratory as part of a predisposition screen in an ostensibly healthy population. It had not been previously curated by ICSL or reported in the Human Gene Mutation Database (HGMD: prior to June 1st, 2018), and was therefore a candidate for classification through an automated scoring system. Utilizing variant allele frequency, disease prevalence and penetrance estimates, and inheritance mode, an automated score was calculated to assess if this variant is too frequent to cause the disease. Based on the score and internal cut-off values, a variant classified as benign is not then subjected to further curation. The score for this variant resulted in a classification of benign for this disease.

Clinical Genetics DNA and cytogenetics Diagnostics Lab, Erasmus MC, Erasmus Medical Center
Classification: Benign for Hypertrophic cardiomyopathy 8. Last evaluated: 2015-09-21. Review status: criteria provided, single submitter. Criteria: ACGS Guidelines, 2013. Collection method: clinical testing. Allele origin: germline. Affected: yes. Study: VKGL Data-share Consensus.

Ambry Genetics
Classification: Benign for Cardiovascular phenotype. Last evaluated: 2015-06-16. Review status: criteria provided, single submitter. Criteria: Ambry Variant Classification Scheme 2023. Collection method: clinical testing. Allele origin: germline.

GeneDx
Classification: Benign. Last evaluated: 2015-03-03. Review status: criteria provided, single submitter. Criteria: GeneDx Variant Classification Process June 2021. Collection method: clinical testing. Allele origin: germline. Affected: yes.

Mayo Clinic Laboratories, Mayo Clinic
Classification: Benign. Last evaluated: 2014-10-16. Review status: criteria provided, single submitter. Criteria: ACMG Guidelines, 2015. Collection method: clinical testing. Allele origin: germline. Observed: 48 variant alleles.

Laboratory for Molecular Medicine, Mass General Brigham Personalized Medicine
Classification: Benign. Last evaluated: 2006-10-28. Review status: criteria provided, single submitter. Criteria: LMM Criteria. Collection method: clinical testing. Allele origin: germline. Observed: 128 variant alleles.

Breakthrough Genomics
Classification: Benign. Review status: criteria provided, single submitter. Criteria: ACMG Guidelines, 2015. Collection method: not provided. Allele origin: germline. Inheritance: Autosomal dominant inheritance. Affected: yes.

PreventionGenetics, part of Exact Sciences
Classification: Benign. Review status: criteria provided, single submitter. Criteria: ACMG Guidelines, 2015. Collection method: clinical testing. Allele origin: germline.

Cohesion Phenomics
Classification: Likely benign for Hypertrophic Cardiomyopathy. Last evaluated: 2022-09-29. Review status: no assertion criteria provided. Criteria: ACMG Guidelines, 2015. Collection method: clinical testing. Allele origin: germline. Affected: yes. Not counted in ClinVar's aggregate classification.

Clinical Genetics, Academic Medical Center
Classification: Benign. Review status: no assertion criteria provided. Collection method: clinical testing. Allele origin: germline. Affected: yes. Study: VKGL Data-share Consensus. Not counted in ClinVar's aggregate classification.

Joint Genome Diagnostic Labs from Nijmegen and Maastricht, Radboudumc and MUMC+
Classification: Benign. Review status: no assertion criteria provided. Collection method: clinical testing. Allele origin: germline. Affected: yes. Study: VKGL Data-share Consensus. Not counted in ClinVar's aggregate classification.

NM_000258.3(MYL3):c.69C>T (p.Pro23=)

Gene: MYL3 (myosin light chain 3; minus strand). Cytogenetic location: 3p21.31.
Variant type: single nucleotide variant.
Coding change: c.69C>T on transcript NM_000258.3 (MANE Select); coding-DNA position 69, C replaced by T.
Protein change: p.Pro23=; no amino-acid change (proline 23 retained).
Molecular consequence: synonymous variant.
Genome position (GRCh38, 1-based): chr3:46,863,322, G>A on the plus strand (C>T on the coding strand, the complement: MYL3 is on the minus strand). VCF-style: chr3-46863322-G-A. GRCh37 (hg19) VCF-style: chr3-46904812-G-A.
Other names: p.Pro23=.
Identifiers: ClinVar variation 43129 (VCV000043129.37), dbSNP rs2233264, ClinGen allele CA014074.